The following is an entry in ClinVar:

ClinVar aggregate classification (germline): Likely pathogenic (1 of 4 stars; one submission).

Conditions:
Muscular dystrophy. Identifiers: Orphanet 98473, MedGen C0026850, MeSH D009136, MONDO:0020121, HP:0003560.

Submission:

Laboratory of Functional Genomics, Research Centre for Medical Genetics
Classification: Likely pathogenic for Muscular dystrophy. Last evaluated: 2026-02-06. Review status: criteria provided, single submitter. Criteria: ACMG Guidelines, 2015. Collection method: clinical testing. Allele origin: paternal. Inheritance: Autosomal recessive inheritance. Affected: yes. Observed: 1 variant allele, 1 compound heterozygote.
Comment: RT-PCR analysis of RNA isolated from the proband’s skin fibroblasts, followed by NGS, revealed the wild-type transcript and three alternative isoforms resulting from the inclusion of a pseudoexon (62 bp, 67 bp, and 159 bp). These aberrant transcripts lead to a frameshift and, consequently, to protein truncation. The total proportion of these aberrant isoforms constitutes approximately 10% of all transcripts. The allelic imbalance detected for the c.376C>T variant (12/88) suggests degradation of some of the resulting transcripts via the NMD. According to the ACMG 2015 criteria (PM2, PS3), we classified this variant as likely pathogenic.

NM_001101426.4(CRPPA):c.684+1312G>C

Gene: CRPPA (CDP-L-ribitol pyrophosphorylase A; minus strand). Cytogenetic location: 7p21.2.
Variant type: single nucleotide variant.
Coding change: c.684+1312G>C on transcript NM_001101426.4 (MANE Select); 1312 bases into the intron after coding-DNA position 684, G replaced by C.
Molecular consequence: intron variant.
Genome position (GRCh38, 1-based): chr7:16,374,780, C>G on the plus strand (G>C on the coding strand, the complement: CRPPA is on the minus strand). VCF-style: chr7-16374780-C-G. GRCh37 (hg19) VCF-style: chr7-16414405-C-G.
Other names: chr7:16374780C>G; c.534+31281G>C (NM_001101417.4); c.684+1312G>C (NM_001368197.1).
Identifiers: ClinVar variation 4849516 (VCV004849516.1).
Genomic context (GRCh38, chr7:16,374,780, plus strand): 5'-CTAATGCAGTAGGTCCCATCCACTCTCACTTTACCACTGTCTTCTCACTGTGGAATCACC[C>G]CCATCAGCATAACAGTGTGCTGTTTTATCATCCACCTGAAAAAAAAATCAAACTTAATCT-3'